The following is an entry in ClinVar:

ClinVar aggregate classification (germline): Benign/Likely benign. Review status: criteria provided, multiple submitters, no conflicts (2 of 4 stars). 5 submissions from 5 submitters: Benign (1); Likely benign (4). Last evaluated 2026-01-06.

Conditions:
Hereditary cancer-predisposing syndrome. Also called: Hereditary neoplastic syndrome; Neoplastic Syndromes, Hereditary; Tumor predisposition; Hereditary Cancer Syndrome. Identifiers: Orphanet 140162, MedGen C0027672, MeSH D009386, MONDO:0015356.
Familial adenomatous polyposis 1 (FAP1). Also called: POLYPOSIS, ADENOMATOUS INTESTINAL; FAMILIAL ADENOMATOUS POLYPOSIS 1, ATTENUATED. Identifiers: MedGen C2713442, MONDO:0021056, OMIM 175100. Disease mechanism: loss of function.
Classic or attenuated familial adenomatous polyposis. Identifiers: MedGen CN372698, MONDO:0021057.

Allele frequency attached by ClinVar (database versions not stated): gnomAD exomes below 0.00001; TOPMed below 0.00001; ExAC 0.00001; gnomAD 0.00001.
gnomAD v4.1: 6 of 1,614,104 alleles (0.00037%); highest among the groups gnomAD compares: Non-Finnish European, 0.00051%; no homozygotes.

Submissions (5):

Labcorp Genetics (formerly Invitae), Labcorp
Classification: Likely benign for Familial adenomatous polyposis 1. Last evaluated: 2026-01-06. Review status: criteria provided, single submitter. Criteria: Invitae Variant Classification Sherloc (09022015). Collection method: clinical testing. Allele origin: germline.

Myriad Genetics, Inc.
Classification: Benign for Familial adenomatous polyposis 1. Last evaluated: 2024-03-15. Review status: criteria provided, single submitter. Criteria: Myriad Autosomal Dominant, Autosomal Recessive and X-Linked Classification Criteria (2023). Collection method: clinical testing. Allele origin: unknown.
Comment: This variant is considered benign. This variant is a silent/synonymous amino acid change and it is not expected to impact splicing.

All of Us Research Program, National Institutes of Health
Classification: Likely benign for Classic or attenuated familial adenomatous polyposis. Last evaluated: 2024-01-11. Review status: criteria provided, single submitter. Criteria: ACMG Guidelines, 2015. Collection method: clinical testing. Allele origin: germline. Inheritance: Autosomal dominant inheritance. Observed: 3 variant alleles, 3 heterozygotes.
Comment: This study involves interpretation of variants in research participants for the purpose of population health screening. Participant phenotype was not available at the time of variant classification. Additional details can be found in publication PMID: 35346344, PMCID: PMC8962531

Color Diagnostics, LLC DBA Color Health
Classification: Likely benign for Hereditary cancer-predisposing syndrome. Last evaluated: 2017-10-09. Review status: criteria provided, single submitter. Criteria: ACMG Guidelines, 2015. Collection method: clinical testing. Allele origin: germline.

Ambry Genetics
Classification: Likely benign for Hereditary cancer-predisposing syndrome. Last evaluated: 2016-06-29. Review status: criteria provided, single submitter. Criteria: Ambry Variant Classification Scheme 2023. Collection method: clinical testing. Allele origin: germline.

NM_000038.6(APC):c.2919T>C (p.Tyr973=)

Gene: APC (APC regulator of Wnt signaling pathway; plus strand). Cytogenetic location: 5q22.2.
Variant type: single nucleotide variant.
Coding change: c.2919T>C on transcript NM_000038.6 (MANE Select); coding-DNA position 2919, T replaced by C.
Protein change: p.Tyr973=; no amino-acid change (tyrosine 973 retained).
Molecular consequence: synonymous variant.
Genome position (GRCh38, 1-based): chr5:112,838,513, T>C. VCF-style: chr5-112838513-T-C. GRCh37 (hg19) VCF-style: chr5-112174210-T-C.
Other names: c.2919T>C, p.Tyr973= (NM_001127510.3, NM_001354895.2); c.2865T>C, p.Tyr955= (NM_001127511.3); c.2973T>C, p.Tyr991= (NM_001354896.2); c.2949T>C, p.Tyr983= (NM_001354897.2); c.2844T>C, p.Tyr948= (NM_001354898.2); c.2835T>C, p.Tyr945= (NM_001354899.2); c.2796T>C, p.Tyr932= (NM_001354900.2); c.2742T>C, p.Tyr914= (NM_001354901.2); and 5 more.
Identifiers: ClinVar variation 215560 (VCV000215560.20), dbSNP rs756609845, ClinGen allele CA033944.